The following is an entry in ClinVar:

ClinVar aggregate classification (germline): Uncertain significance (1 of 4 stars; one submission).

Conditions:
Inborn genetic diseases. Identifiers: MedGen C0950123, MeSH D030342.

Submission:

Ambry Genetics
Classification: Uncertain significance for Inborn genetic diseases. Last evaluated: 2025-11-09. Review status: criteria provided, single submitter. Criteria: Ambry Variant Classification Scheme 2023. Collection method: clinical testing. Allele origin: germline.
Comment: The p.T325A variant (also known as c.973A>G), located in coding exon 11 of the FANCA gene, results from an A to G substitution at nucleotide position 973. The threonine at codon 325 is replaced by alanine, an amino acid with similar properties. This amino acid position is conserved. In addition, this alteration is predicted to be tolerated by in silico analysis. Based on the available evidence, the clinical significance of this variant remains unclear.

NM_000135.4(FANCA):c.973A>G (p.Thr325Ala)

Gene: FANCA (FA complementation group A; minus strand). Cytogenetic location: 16q24.3.
Variant type: single nucleotide variant.
Coding change: c.973A>G on transcript NM_000135.4 (MANE Select); coding-DNA position 973, A replaced by G.
Protein change: p.Thr325Ala; replaces threonine 325 with alanine.
Molecular consequence: missense variant.
Genome position (GRCh38, 1-based): chr16:89,795,939, T>C on the plus strand (A>G on the coding strand, the complement: FANCA is on the minus strand). VCF-style: chr16-89795939-T-C. GRCh37 (hg19) VCF-style: chr16-89862347-T-C.
Other names: c.973A>G, p.Thr325Ala (NM_001286167.3); short protein forms T325A.
Identifiers: ClinVar variation 4619259 (VCV004619259.1).